The following is an entry in ClinVar:

NM_024753.5(TTC21B):c.3874G>T (p.Val1292Phe)

Gene: TTC21B (tetratricopeptide repeat domain 21B; minus strand). Cytogenetic location: 2q24.3.
Variant type: single nucleotide variant.
Coding change: c.3874G>T on transcript NM_024753.5 (MANE Select); coding-DNA position 3874, G replaced by T.
Protein change: p.Val1292Phe; replaces valine 1292 with phenylalanine.
Molecular consequence: missense variant.
Genome position (GRCh38, 1-based): chr2:165,874,832, C>A on the plus strand (G>T on the coding strand, the complement: TTC21B is on the minus strand). VCF-style: chr2-165874832-C-A. GRCh37 (hg19) VCF-style: chr2-166731342-C-A.
Other names: short protein forms V1292F.
Identifiers: ClinVar variation 3236364 (VCV003236364.1), dbSNP rs749680878, ClinGen allele CA349044580.

ClinVar aggregate classification (germline): Uncertain significance (1 of 4 stars; one submission).

Conditions:
Nephronophthisis 12 (NPHP12). Identifiers: Orphanet 655, MedGen C3151186, MONDO:0013442, OMIM 613820.

Submission:

MVZ Medizinische Genetik Mainz
Classification: Uncertain significance for Nephronophthisis 12. Last evaluated: 2024-03-12. Review status: criteria provided, single submitter. Criteria: UK Practice Guidelines For Variant Classification V4 01 2020. Collection method: clinical testing. Allele origin: germline. Inheritance: Autosomal recessive inheritance. Affected: yes. Observed: 1 variant allele.
Comment: ACMG Criteria: PM2_SUP,PM3_SUP,PP3,PP4